The following is an entry in ClinVar:

NM_001904.4(CTNNB1):c.1272T>C (p.Leu424=)

Genes: CTNNB1 (catenin beta 1; plus strand), LOC126806659 (BRD4-independent group 4 enhancer GRCh37_chr3:41274918-41276117; plus strand). Cytogenetic location: 3p22.1.
Variant type: single nucleotide variant.
Coding change: c.1272T>C on transcript NM_001904.4 (MANE Select); coding-DNA position 1272, T replaced by C.
Protein change: p.Leu424=; no amino-acid change (leucine 424 retained).
Molecular consequence: synonymous variant.
Genome position (GRCh38, 1-based): chr3:41,233,615, T>C. VCF-style: chr3-41233615-T-C. GRCh37 (hg19) VCF-style: chr3-41275106-T-C.
Other names: c.1272T>C, p.Leu424= (NM_001098209.2, NM_001098210.2); c.1251T>C, p.Leu417= (NM_001330729.2).
Identifiers: ClinVar variation 434864 (VCV000434864.25), dbSNP rs4135379, ClinGen allele CA2331061.
Genomic context (GRCh38, chr3:41,233,615, plus strand): 5'-TCTTGTTCAGCTTCTGGGTTCAGATGATATAAATGTGGTCACCTGTGCAGCTGGAATTCT[T>C]TCTAACCTCACTTGCAATAATTATAAGAACAAGATGATGGTCTGCCAAGTGGGTGGTATA-3'
Protein context (NP_001895.1, residues 414-434): INVVTCAAGI[Leu424=]SNLTCNNYKN

ClinVar aggregate classification (germline): Benign/Likely benign. Review status: criteria provided, multiple submitters, no conflicts (2 of 4 stars). 7 submissions from 7 submitters: Benign (2); Likely benign (4). 1 of the submissions does not count toward it. Last evaluated 2026-01-27.

Conditions:
CTNNB1-related disorder. Also called: CTNNB1-related condition.

Allele frequency attached by ClinVar (database versions not stated): gnomAD exomes 0.00015 and 0.00037; ExAC 0.00048; gnomAD 0.00134 and 0.00149; TOPMed 0.00173; ESP Exome Variant Server 0.00177; 1000 Genomes Project 30x 0.00219; 1000 Genomes Project 0.00220.
gnomAD v4.1: 420 of 1,614,218 alleles (0.026%); highest among the groups gnomAD compares: African/African-American, 0.52%; no homozygotes.

Submissions (7):

Labcorp Genetics (formerly Invitae), Labcorp
Classification: Benign. Last evaluated: 2026-01-27. Review status: criteria provided, single submitter. Criteria: Invitae Variant Classification Sherloc (09022015). Collection method: clinical testing. Allele origin: germline.

CeGaT Center for Human Genetics Tuebingen
Classification: Likely benign. Last evaluated: 2026-01-01. Review status: criteria provided, single submitter. Criteria: CeGaT Center For Human Genetics Tuebingen Variant Classification Criteria Version 2. Collection method: clinical testing. Allele origin: germline. Affected: yes. Observed: 1 variant allele.
Comment: CTNNB1: BP4, BP7

Blueprint Genetics
Classification: Likely benign. Last evaluated: 2024-11-13. Review status: criteria provided, single submitter. Criteria: ACMG Guidelines, 2015. Collection method: clinical testing. Allele origin: germline.

GeneDx
Classification: Benign. Last evaluated: 2018-09-18. Review status: criteria provided, single submitter. Criteria: GeneDx Variant Classification Process June 2021. Collection method: clinical testing. Allele origin: germline. Affected: yes.

Genetic Services Laboratory, University of Chicago
Classification: Likely benign. Last evaluated: 2016-11-04. Review status: criteria provided, single submitter. Criteria: ACMG Guidelines, 2015. Collection method: clinical testing. Allele origin: germline. Affected: no.

Breakthrough Genomics
Classification: Likely benign. Review status: criteria provided, single submitter. Criteria: ACMG Guidelines, 2015. Collection method: not provided. Allele origin: germline. Inheritance: Autosomal recessive inheritance. Affected: yes.

PreventionGenetics, part of Exact Sciences
Classification: Benign for CTNNB1-related condition. Last evaluated: 2019-10-25. Review status: no assertion criteria provided. Collection method: clinical testing. Allele origin: germline. Not counted in ClinVar's aggregate classification.
Comment: This variant is classified as benign based on ACMG/AMP sequence variant interpretation guidelines (Richards et al. 2015 PMID: 25741868, with internal and published modifications).